The following is an entry in ClinVar:

NM_001692.4(ATP6V1B1):c.1381C>A (p.Pro461Thr)

Gene: ATP6V1B1 (ATPase H+ transporting V1 subunit B1; plus strand). Cytogenetic location: 2p13.3.
Variant type: single nucleotide variant.
Coding change: c.1381C>A on transcript NM_001692.4 (MANE Select); coding-DNA position 1381, C replaced by A.
Protein change: p.Pro461Thr; replaces proline 461 with threonine.
Molecular consequence: missense variant.
Genome position (GRCh38, 1-based): chr2:70,964,960, C>A. VCF-style: chr2-70964960-C-A. GRCh37 (hg19) VCF-style: chr2-71192090-C-A.
Other names: short protein forms P461T.
Identifiers: ClinVar variation 1930461 (VCV001930461.2), dbSNP rs782118034, ClinGen allele CA1701353.

ClinVar aggregate classification (germline): Uncertain significance (1 of 4 stars; one submission).

Allele frequency attached by ClinVar (database versions not stated): ExAC 0.00001.
gnomAD v4.1: 1 of 1,614,040 alleles (0.000062%); highest among the groups gnomAD compares: South Asian, 0.0011%; no homozygotes.

Submission:

Labcorp Genetics (formerly Invitae), Labcorp
Classification: Uncertain significance. Last evaluated: 2022-05-21. Review status: criteria provided, single submitter. Criteria: Invitae Variant Classification Sherloc (09022015). Collection method: clinical testing. Allele origin: germline.
Comment: This sequence change replaces proline, which is neutral and non-polar, with threonine, which is neutral and polar, at codon 461 of the ATP6V1B1 protein (p.Pro461Thr). This variant is present in population databases (rs782118034, gnomAD 0.006%). This variant has not been reported in the literature in individuals affected with ATP6V1B1-related conditions. Algorithms developed to predict the effect of missense changes on protein structure and function (SIFT, PolyPhen-2, Align-GVGD) all suggest that this variant is likely to be tolerated. In summary, the available evidence is currently insufficient to determine the role of this variant in disease. Therefore, it has been classified as a Variant of Uncertain Significance.